The following is an entry in ClinVar:

ClinVar aggregate classification (germline): Likely benign. Review status: criteria provided, single submitter (1 of 4 stars). 2 submissions from 2 submitters: Likely benign (1). 1 of the submissions does not count toward it. Last evaluated 2022-08-06.

Conditions:
SALL1-related disorder. Also called: SALL1-related condition.
Townes syndrome (TBS). Also called: Townes-Brocks syndrome. Identifiers: Orphanet 857, MedGen C0265246, MeSH C536974, MONDO:0007142.

gnomAD v4.1: 2 of 1,614,156 alleles (0.00012%); no homozygotes.

Submissions (2):

Labcorp Genetics (formerly Invitae), Labcorp
Classification: Likely benign for Townes syndrome. Last evaluated: 2022-08-06. Review status: criteria provided, single submitter. Criteria: Invitae Variant Classification Sherloc (09022015). Collection method: clinical testing. Allele origin: germline.

PreventionGenetics, part of Exact Sciences
Classification: Likely benign for SALL1-related condition. Last evaluated: 2021-10-25. Review status: no assertion criteria provided. Collection method: clinical testing. Allele origin: germline. Not counted in ClinVar's aggregate classification.
Comment: This variant is classified as likely benign based on ACMG/AMP sequence variant interpretation guidelines (Richards et al. 2015 PMID: 25741868, with internal and published modifications).

NM_002968.3(SALL1):c.801T>C (p.Ser267=)

Gene: SALL1 (spalt like transcription factor 1; minus strand). Cytogenetic location: 16q12.1.
Variant type: single nucleotide variant.
Coding change: c.801T>C on transcript NM_002968.3 (MANE Select); coding-DNA position 801, T replaced by C.
Protein change: p.Ser267=; no amino-acid change (serine 267 retained).
Molecular consequence: synonymous variant.
Genome position (GRCh38, 1-based): chr16:51,141,421, A>G on the plus strand (T>C on the coding strand, the complement: SALL1 is on the minus strand). VCF-style: chr16-51141421-A-G. GRCh37 (hg19) VCF-style: chr16-51175332-A-G.
Other names: c.510T>C, p.Ser170= (NM_001127892.2).
Identifiers: ClinVar variation 2134167 (VCV002134167.6), dbSNP rs745771993, ClinGen allele CA495781607.
Genomic context (GRCh38, chr16:51,141,421, plus strand): 5'-GGAACTTAGCGTGGACAAGGGGTTGGCAGATGTTCGTAAAGTACCTTGAGAAGGACTAGA[A>G]GATGTTGGCAAGTCTGCATTCTGAGAAGCCAACAGCAATATTTGGTGACGAATCTGTTCG-3'
Protein context (NP_002959.2, residues 257-277): LASQNADLPT[Ser267=]SSPSQGTLRT